The following is an entry in ClinVar:

NM_006658.5(PPP1R17):c.29T>G (p.Leu10Arg)

Genes: PDE1C (phosphodiesterase 1C; minus strand), PPP1R17 (protein phosphatase 1 regulatory subunit 17; plus strand). Cytogenetic location: 7p14.3.
Variant type: single nucleotide variant.
Coding change: c.29T>G on transcript NM_006658.5 (MANE Select); coding-DNA position 29, T replaced by G.
Protein change: p.Leu10Arg; replaces leucine 10 with arginine.
Molecular consequence: missense variant.
Genome position (GRCh38, 1-based): chr7:31,692,470, T>G. VCF-style: chr7-31692470-T-G. GRCh37 (hg19) VCF-style: chr7-31732084-T-G.
Other names: c.29T>G, p.Leu10Arg (NM_001145123.3); short protein forms L10R.
Identifiers: ClinVar variation 403336 (VCV000403336.4), dbSNP rs36047130, ClinGen allele CA4210429.

ClinVar aggregate classification (germline): Benign (1 of 4 stars; one submission).

Allele frequency attached by ClinVar (database versions not stated): gnomAD 0.01440; TOPMed 0.01681; ESP Exome Variant Server 0.01784; 1000 Genomes Project 30x 0.02686; 1000 Genomes Project 0.02716.
gnomAD v4.1: 24,328 of 1,611,986 alleles (1.5%); highest among the groups gnomAD compares: Middle Eastern, 6.9%; 387 homozygotes.

Submission:

Laboratory for Molecular Medicine, Mass General Brigham Personalized Medicine
Classification: Benign. Last evaluated: 2016-03-29. Review status: criteria provided, single submitter. Criteria: LMM Criteria. Collection method: clinical testing. Allele origin: germline.
Comment: Variant identified in a genome or exome case(s) and assessed due to predicted null impact of the variant or pathogenic assertions in the literature or databases. Disclaimer: This variant has not undergone full assessment. The following are preliminary notes: Frequency